The following is an entry in ClinVar:

NM_005236.3(ERCC4):c.514G>C (p.Asp172His)

Gene: ERCC4 (ERCC excision repair 4, endonuclease catalytic subunit; plus strand). Cytogenetic location: 16p13.12.
Variant type: single nucleotide variant.
Coding change: c.514G>C on transcript NM_005236.3 (MANE Select); coding-DNA position 514, G replaced by C.
Protein change: p.Asp172His; replaces aspartic acid 172 with histidine.
Molecular consequence: missense variant.
Genome position (GRCh38, 1-based): chr16:13,926,686, G>C. VCF-style: chr16-13926686-G-C. GRCh37 (hg19) VCF-style: chr16-14020543-G-C.
Other names: short protein forms D172H.
Identifiers: ClinVar variation 1039227 (VCV001039227.8), dbSNP rs1405781900, ClinGen allele CA394801486.
Genomic context (GRCh38, chr16:13,926,686, plus strand): 5'-TTTCGCCAGAAAAACAAACGTGGTTTTATTAAAGCTTTCACAGACAATGCTGTTGCCTTT[G>C]ATACTGGTTTTTGTCATGTGGAAAGAGTGATGAGAAATCTTTTTGTGAGGAAACTGTATC-3'
Protein context (NP_005227.1, residues 162-182): KAFTDNAVAF[Asp172His]TGFCHVERVM

ClinVar aggregate classification (germline): Uncertain significance (1 of 4 stars; one submission).

Conditions:
Xeroderma pigmentosum, group F (XPF). Also called: ERCC4-Related Xeroderma Pigmentosum; XERODERMA PIGMENTOSUM, TYPE F; Xeroderma pigmentosum, type 6; XERODERMA PIGMENTOSUM VI; XP, GROUP F; XERODERMA PIGMENTOSUM, COMPLEMENTATION GROUP F. Identifiers: MedGen C0268140, MONDO:0010215, OMIM 278760.
Fanconi anemia complementation group Q. Identifiers: Orphanet 84, MedGen C3808988, MONDO:0014108, OMIM 615272.
Cockayne syndrome. Identifiers: Orphanet 191, MedGen C0009207, MONDO:0016006.

Allele frequency attached by ClinVar (database versions not stated): gnomAD exomes below 0.00001.
gnomAD v4.1: 1 of 1,614,080 alleles (0.000062%); highest among the groups gnomAD compares: East Asian, 0.0022%; no homozygotes.

Submission:

Labcorp Genetics (formerly Invitae), Labcorp
Classification: Uncertain significance for Fanconi anemia complementation group Q; Xeroderma pigmentosum, group F; Cockayne syndrome. Last evaluated: 2020-06-18. Review status: criteria provided, single submitter. Criteria: Invitae Variant Classification Sherloc (09022015). Collection method: clinical testing. Allele origin: germline.
Comment: In summary, the available evidence is currently insufficient to determine the role of this variant in disease. Therefore, it has been classified as a Variant of Uncertain Significance. This sequence change replaces aspartic acid with histidine at codon 172 of the ERCC4 protein (p.Asp172His). The aspartic acid residue is weakly conserved and there is a moderate physicochemical difference between aspartic acid and histidine. This variant is not present in population databases (ExAC no frequency). This variant has not been reported in the literature in individuals with ERCC4-related conditions. Algorithms developed to predict the effect of missense changes on protein structure and function (SIFT, PolyPhen-2, Align-GVGD) all suggest that this variant is likely to be tolerated, but these predictions have not been confirmed by published functional studies and their clinical significance is uncertain.